The following is an entry in ClinVar:

NM_000051.4(ATM):c.2899del (p.Glu968fs)

Gene: ATM (ATM serine/threonine kinase; plus strand). Cytogenetic location: 11q22.3.
Variant type: Deletion.
Coding change: c.2899del on transcript NM_000051.4 (MANE Select); coding-DNA position 2899, one base deleted (C; older notation c.2899delC).
Protein change: p.Glu968fs; shifts the reading frame from glutamic acid 968.
Molecular consequence: frameshift variant.
Genome position (GRCh38, 1-based): chr11:108,271,124, C deleted. VCF-style (leftmost placement, unchanged base first): chr11-108271123-TC-T. GRCh37 (hg19) VCF-style: chr11-108141850-TC-T.
Other names: c.2899del, p.Glu968fs (NM_001351834.2); short protein forms E968fs.
Identifiers: ClinVar variation 2856988 (VCV002856988.3), dbSNP rs2497678851, ClinGen allele CA2739270904.
Genomic context (GRCh38, chr11:108,271,123, plus strand): 5'-GTATCTAATGCTTTTAAAGGAGCTTCCTGGAGAAGAGTACCCCTTGCCAATGGAAGATGT[TC>T]TTGAACTTCTGAAACCACTATCGTAAGAAATTAAAACCTTATGTTATGTTCACTTTAAAG-3'

ClinVar aggregate classification (germline): Pathogenic (1 of 4 stars; one submission).

Conditions:
Ataxia-telangiectasia syndrome (AT). Also called: LOUIS-BAR SYNDROME; Cerebello-oculocutaneous telangiectasia; Immunodeficiency with ataxia telangiectasia; Ataxia telangiectasia (A-T); ATAXIA-TELANGIECTASIA, COMPLEMENTATION GROUP A; ATAXIA-TELANGIECTASIA, FRESNO VARIANT. Identifiers: Orphanet 100, MedGen C0004135, MONDO:0008840, OMIM 208900.

Submission:

Labcorp Genetics (formerly Invitae), Labcorp
Classification: Pathogenic for Ataxia-telangiectasia syndrome. Last evaluated: 2023-04-17. Review status: criteria provided, single submitter. Criteria: Invitae Variant Classification Sherloc (09022015). Collection method: clinical testing. Allele origin: germline.
Comment: This sequence change creates a premature translational stop signal (p.Glu968Asnfs*3) in the ATM gene. It is expected to result in an absent or disrupted protein product. Loss-of-function variants in ATM are known to be pathogenic (PMID: 23807571, 25614872). This variant is not present in population databases (gnomAD no frequency). This variant has not been reported in the literature in individuals affected with ATM-related conditions. For these reasons, this variant has been classified as Pathogenic.

Literature cited by the submitters: PubMed 23807571; PubMed 25614872.